The following is an entry in ClinVar:

NM_001354930.2(RIPK1):c.1551G>T (p.Met517Ile)

Gene: RIPK1 (receptor interacting serine/threonine kinase 1; plus strand). Cytogenetic location: 6p25.2.
Variant type: single nucleotide variant.
Coding change: c.1551G>T on transcript NM_001354930.2 (MANE Select); coding-DNA position 1551, G replaced by T.
Protein change: p.Met517Ile; replaces methionine 517 with isoleucine.
Molecular consequence: missense variant.
Genome position (GRCh38, 1-based): chr6:3,106,026, G>T. VCF-style: chr6-3106026-G-T. GRCh37 (hg19) VCF-style: chr6-3106260-G-T.
Other names: c.1062G>T, p.Met354Ile (NM_001317061.3, NM_001354932.2, NM_001354933.2 and 1 more transcripts); c.1413G>T, p.Met471Ile (NM_001354931.2); c.1551G>T, p.Met517Ile (NM_003804.6); short protein forms M354I, M471I, M517I.
Identifiers: ClinVar variation 3662950 (VCV003662950.2).

ClinVar aggregate classification (germline): Uncertain significance (1 of 4 stars; one submission).

Submission:

Labcorp Genetics (formerly Invitae), Labcorp
Classification: Uncertain significance. Last evaluated: 2024-09-04. Review status: criteria provided, single submitter. Criteria: Invitae Variant Classification Sherloc (09022015). Collection method: clinical testing. Allele origin: germline.
Comment: This sequence change replaces methionine, which is neutral and non-polar, with isoleucine, which is neutral and non-polar, at codon 517 of the RIPK1 protein (p.Met517Ile). This variant is not present in population databases (gnomAD no frequency). This variant has not been reported in the literature in individuals affected with RIPK1-related conditions. An algorithm developed to predict the effect of missense changes on protein structure and function outputs the following: PolyPhen-2: "Benign". The isoleucine amino acid residue is found in multiple mammalian species, which suggests that this missense change does not adversely affect protein function. In summary, the available evidence is currently insufficient to determine the role of this variant in disease. Therefore, it has been classified as a Variant of Uncertain Significance.